The following is an entry in ClinVar:

NM_001077418.3(TMEM231):c.774T>G (p.Tyr258Ter)

Gene: TMEM231 (transmembrane protein 231; minus strand). Cytogenetic location: 16q23.1.
Variant type: single nucleotide variant.
Coding change: c.774T>G on transcript NM_001077418.3 (MANE Select); coding-DNA position 774, T replaced by G.
Protein change: p.Tyr258Ter; replaces tyrosine 258 with a stop codon.
Molecular consequence: nonsense. On other transcripts: non-coding transcript variant (1).
Genome position (GRCh38, 1-based): chr16:75,540,171, A>C on the plus strand (T>G on the coding strand, the complement: TMEM231 is on the minus strand). VCF-style: chr16-75540171-A-C. GRCh37 (hg19) VCF-style: chr16-75574069-A-C.
Other names: c.933T>G, p.Tyr311Ter (NM_001077416.2); short protein forms Y311*, Y258*.
Identifiers: ClinVar variation 1994674 (VCV001994674.4), dbSNP rs751199520, ClinGen allele CA396803194.
Genomic context (GRCh38, chr16:75,540,171, plus strand): 5'-AAGCAGGATGCTGACATACTGCACCCAGGCGAACTTTACCATCTCCCAGAATCCTGGCTG[A>C]TAAGTATGGACAGTTAAGGAGTGAAGGGCCACATGGTGTTAAGTATGAAGAGAAAATCCA-3'

ClinVar aggregate classification (germline): Uncertain significance (1 of 4 stars; one submission).

Conditions:
Meckel syndrome, type 11 (MKS11). Identifiers: Orphanet 564, MedGen C3809352, MONDO:0014164, OMIM 615397.
Joubert syndrome 20 (JBTS20). Identifiers: Orphanet 475, MedGen C3554235, MONDO:0013994, OMIM 614970.

Submission:

Labcorp Genetics (formerly Invitae), Labcorp
Classification: Uncertain significance for Joubert syndrome 20; Meckel syndrome, type 11. Last evaluated: 2022-05-15. Review status: criteria provided, single submitter. Criteria: Invitae Variant Classification Sherloc (09022015). Collection method: clinical testing. Allele origin: germline.
Comment: This variant disrupts a region of the TMEM231 protein in which other variant(s) (p.Gln325Pro) have been observed in individuals with TMEM231-related conditions (PMID: 23349226). This suggests that this is a clinically significant region of the protein, and that variants that disrupt it are likely to be disease-causing. This sequence change creates a premature translational stop signal (p.Tyr311*) in the TMEM231 gene. While this is not anticipated to result in nonsense mediated decay, it is expected to disrupt the last 59 amino acid(s) of the TMEM231 protein. This variant is not present in population databases (gnomAD no frequency). This variant has not been reported in the literature in individuals affected with TMEM231-related conditions. Experimental studies and prediction algorithms are not available or were not evaluated, and the functional significance of this variant is currently unknown. In summary, the available evidence is currently insufficient to determine the role of this variant in disease. Therefore, it has been classified as a Variant of Uncertain Significance.

Literature cited by the submitters: PubMed 23349226.